The following is an entry in ClinVar:

NM_018389.5(SLC35C1):c.974C>T (p.Thr325Met)

Gene: SLC35C1 (solute carrier family 35 member C1; plus strand). Cytogenetic location: 11p11.2.
Variant type: single nucleotide variant.
Coding change: c.974C>T on transcript NM_018389.5 (MANE Select); coding-DNA position 974, C replaced by T.
Protein change: p.Thr325Met; replaces threonine 325 with methionine.
Molecular consequence: missense variant.
Genome position (GRCh38, 1-based): chr11:45,811,214, C>T. VCF-style: chr11-45811214-C-T. GRCh37 (hg19) VCF-style: chr11-45832765-C-T.
Other names: c.935C>T, p.Thr312Met (NM_001145265.2, NM_001145266.2); short protein forms T312M, T325M.
Identifiers: ClinVar variation 943549 (VCV000943549.6), dbSNP rs753103441, ClinGen allele CA5958369.
Genomic context (GRCh38, chr11:45,811,214, plus strand): 5'-GTGCCCAGACAGTGCTGGCCGTGCTCTACTACGAGGAGACCAAGAGCTTCCTCTGGTGGA[C>T]GAGCAACATGATGGTGCTGGGCGGCTCCTCCGCCTACACCTGGGTCAGGGGCTGGGAGAT-3'
Protein context (NP_060859.4, residues 315-335): YEETKSFLWW[Thr325Met]SNMMVLGGSS

ClinVar aggregate classification (germline): Uncertain significance (1 of 4 stars; one submission).

Conditions:
Leukocyte adhesion deficiency type II. Also called: CONGENITAL DISORDER OF GLYCOSYLATION, TYPE IIc; CDG IIc; Congenital disorder of glycosylation type 2C; CDG 2C; Leukocyte adhesion deficiency type 2; Rambam Hasharon syndrome. Identifiers: Orphanet 2968, Orphanet 99843, MedGen C0398739, MONDO:0009953, OMIM 266265.

Allele frequency attached by ClinVar (database versions not stated): gnomAD 0.00001 and 0.00002; ExAC 0.00002; gnomAD exomes 0.00002 and 0.00004; TOPMed 0.00002.
gnomAD v4.1: 66 of 1,609,280 alleles (0.0041%); highest among the groups gnomAD compares: Non-Finnish European, 0.0051%; no homozygotes.

Submission:

Labcorp Genetics (formerly Invitae), Labcorp
Classification: Uncertain significance for Leukocyte adhesion deficiency type II. Last evaluated: 2025-09-15. Review status: criteria provided, single submitter. Criteria: Invitae Variant Classification Sherloc (09022015). Collection method: clinical testing. Allele origin: germline.
Comment: This sequence change replaces threonine, which is neutral and polar, with methionine, which is neutral and non-polar, at codon 325 of the SLC35C1 protein (p.Thr325Met). This variant is present in population databases (rs753103441, gnomAD 0.004%). This variant has not been reported in the literature in individuals affected with SLC35C1-related conditions. ClinVar contains an entry for this variant (Variation ID: 943549). Invitae Evidence Modeling of protein sequence and biophysical properties (such as structural, functional, and spatial information, amino acid conservation, physicochemical variation, residue mobility, and thermodynamic stability) indicates that this missense variant is not expected to disrupt SLC35C1 protein function with a negative predictive value of 80%. In summary, the available evidence is currently insufficient to determine the role of this variant in disease. Therefore, it has been classified as a Variant of Uncertain Significance.